The following is an entry in ClinVar:

ClinVar aggregate classification (germline): Likely pathogenic. Review status: criteria provided, multiple submitters, no conflicts (2 of 4 stars). 2 submissions from 2 submitters: Likely pathogenic (2). Last evaluated 2022-09-12.

Conditions:
Catecholaminergic polymorphic ventricular tachycardia 1. Also called: RYR2-Related Catecholaminergic Polymorphic Ventricular Tachycardia; VENTRICULAR TACHYCARDIA, STRESS-INDUCED POLYMORPHIC 1; VENTRICULAR TACHYCARDIA, CATECHOLAMINERGIC POLYMORPHIC, 1, WITH OR WITHOUT ATRIAL DYSFUNCTION AND/OR DILATED CARDIOMYOPATHY. Identifiers: Orphanet 3286, MedGen C1631597, MONDO:0011484, OMIM 604772.

Submissions (2):

Labcorp Genetics (formerly Invitae), Labcorp
Classification: Likely pathogenic for Catecholaminergic polymorphic ventricular tachycardia 1. Last evaluated: 2022-09-12. Review status: criteria provided, single submitter. Criteria: Invitae Variant Classification Sherloc (09022015). Collection method: clinical testing. Allele origin: germline.
Comment: In summary, the currently available evidence indicates that the variant is pathogenic, but additional data are needed to prove that conclusively. Therefore, this variant has been classified as Likely Pathogenic. This variant disrupts the p.Met3972 amino acid residue in RYR2. Other variant(s) that disrupt this residue have been observed in individuals with RYR2-related conditions (Invitae), which suggests that this may be a clinically significant amino acid residue. Advanced modeling of protein sequence and biophysical properties (such as structural, functional, and spatial information, amino acid conservation, physicochemical variation, residue mobility, and thermodynamic stability) performed at Invitae indicates that this missense variant is not expected to disrupt RYR2 protein function. ClinVar contains an entry for this variant (Variation ID: 427164). This missense change has been observed in individual(s) with catecholaminergic polymorphic ventricular tachycardia (CPVT) and/or clinical features of RYR2-related conditions (Invitae). In at least one individual the variant was observed to be de novo. This variant is not present in population databases (gnomAD no frequency). This sequence change replaces methionine, which is neutral and non-polar, with valine, which is neutral and non-polar, at codon 3972 of the RYR2 protein (p.Met3972Val).

GeneDx
Classification: Likely pathogenic. Last evaluated: 2015-05-08. Review status: criteria provided, single submitter. Criteria: GeneDx Variant Classification (06012015). Collection method: clinical testing. Allele origin: germline. Affected: yes.
Comment: The M3972V variant has not been published to our knowledge, a variant at this same residue (M3972I) has been reported in an individual with CPVT; however, no additional clinical information or segregation studies were provided (Medeiros-Domingo et al., 2009; Jabbari et al., 2013). The M3972V variant is located in one of the three hot-spot regions of the RYR2 gene, and numerous missense variants in nearby residues (D3973H, L3974Q, D3977Y, M3978I) have been reported in association with CPVT according to the Human Gene Mutation Database (Medeiros-Domingo et al., 2009; Stenson et al., 2014), supporting the functional importance of this region of the protein. The M3972V variant was not observed in approximately 6,100 individuals of European and African American ancestry in the NHLBI Exome Sequencing Project, indicating it is not a common benign variant in these populations. This substitution occurs at a position that is conserved by class across species. However, the M3972V variant is a conservative amino acid substitution, which is not likely to impact secondary protein structure as these residues share similar properties. Additionally, in silico analysis is inconsistent in its predictions as to whether or not the variant is damaging to the protein structure/function.Therefore, this variant is a strong candidate for a pathogenic variant, however the possibility that it is a benign variant cannot be excluded.

NM_001035.3(RYR2):c.11914A>G (p.Met3972Val)

Gene: RYR2 (ryanodine receptor 2; plus strand). Cytogenetic location: 1q43.
Variant type: single nucleotide variant.
Coding change: c.11914A>G on transcript NM_001035.3 (MANE Select); coding-DNA position 11914, A replaced by G.
Protein change: p.Met3972Val; replaces methionine 3972 with valine.
Molecular consequence: missense variant.
Genome position (GRCh38, 1-based): chr1:237,781,598, A>G. VCF-style: chr1-237781598-A-G. GRCh37 (hg19) VCF-style: chr1-237944898-A-G.
Other names: c.11914A>G, p.Met3972Val (LRG_402t1); short protein forms M3972V.
Identifiers: ClinVar variation 427164 (VCV000427164.11), dbSNP rs1085307997, ClinGen allele CA345410102.